The following is an entry in ClinVar:

ClinVar aggregate classification (germline): Likely benign (1 of 4 stars; one submission).

Allele frequency attached by ClinVar (database versions not stated): gnomAD 0.01144 and 0.01219; TOPMed 0.01293; 1000 Genomes Project 0.01458; 1000 Genomes Project 30x 0.01546.
gnomAD v4.1: 1,725 of 152,348 alleles (1.1%); highest among the groups gnomAD compares: African/African-American, 3.9%; 42 homozygotes.

Submission:

GeneDx
Classification: Likely benign. Last evaluated: 2018-06-19. Review status: criteria provided, single submitter. Criteria: GeneDx Variant Classification (06012015). Collection method: clinical testing. Allele origin: germline. Affected: yes.
Comment: This variant is considered likely benign or benign based on one or more of the following criteria: it is a conservative change, it occurs at a poorly conserved position in the protein, it is predicted to be benign by multiple in silico algorithms, and/or has population frequency not consistent with disease.

NM_001134363.3(RBM20):c.3316+188G>A

Gene: RBM20 (RNA binding motif protein 20; plus strand). Cytogenetic location: 10q25.2.
Variant type: single nucleotide variant.
Coding change: c.3316+188G>A on transcript NM_001134363.3 (MANE Select); 188 bases into the intron after coding-DNA position 3316, G replaced by A.
Molecular consequence: intron variant.
Genome position (GRCh38, 1-based): chr10:110,822,123, G>A. VCF-style: chr10-110822123-G-A. GRCh37 (hg19) VCF-style: chr10-112581881-G-A.
Identifiers: ClinVar variation 673671 (VCV000673671.1), dbSNP rs111762102, ClinGen allele CA213230033.